The following is an entry in ClinVar:

ClinVar aggregate classification (germline): Uncertain significance (1 of 4 stars; one submission).

Conditions:
Joubert syndrome. Also called: CEREBELLOPARENCHYMAL DISORDER IV; JOUBERT-BOLTSHAUSER SYNDROME; Familial aplasia of the vermis. Identifiers: Orphanet 475, MedGen C5979921, MONDO:0018772.
Nephronophthisis. Also called: Juvenile Nephronophthisis. Identifiers: Orphanet 655, MedGen C0687120, MONDO:0019005, HP:0000090.
Meckel-Gruber syndrome. Also called: DYSENCEPHALIA SPLANCHNOCYSTICA; GRUBER SYNDROME; Dysencephalia splachnocystica. Identifiers: Orphanet 564, MedGen C0265215, MONDO:0018921.

Submission:

Labcorp Genetics (formerly Invitae), Labcorp
Classification: Uncertain significance for Joubert syndrome; Meckel-Gruber syndrome; Nephronophthisis. Last evaluated: 2022-01-31. Review status: criteria provided, single submitter. Criteria: Invitae Variant Classification Sherloc (09022015). Collection method: clinical testing. Allele origin: germline.
Comment: This sequence change replaces leucine, which is neutral and non-polar, with phenylalanine, which is neutral and non-polar, at codon 1690 of the CEP290 protein (p.Leu1690Phe). This variant is not present in population databases (gnomAD no frequency). This variant has not been reported in the literature in individuals affected with CEP290-related conditions. Algorithms developed to predict the effect of missense changes on protein structure and function are either unavailable or do not agree on the potential impact of this missense change (SIFT: "Deleterious"; PolyPhen-2: "Probably Damaging"; Align-GVGD: "Class C0"). In summary, the available evidence is currently insufficient to determine the role of this variant in disease. Therefore, it has been classified as a Variant of Uncertain Significance.

NM_025114.4(CEP290):c.5070A>C (p.Leu1690Phe)

Gene: CEP290 (centrosomal protein 290; minus strand). Cytogenetic location: 12q21.32.
Variant type: single nucleotide variant.
Coding change: c.5070A>C on transcript NM_025114.4 (MANE Select); coding-DNA position 5070, A replaced by C.
Protein change: p.Leu1690Phe; replaces leucine 1690 with phenylalanine.
Molecular consequence: missense variant.
Genome position (GRCh38, 1-based): chr12:88,080,338, T>G on the plus strand (A>C on the coding strand, the complement: CEP290 is on the minus strand). VCF-style: chr12-88080338-T-G. GRCh37 (hg19) VCF-style: chr12-88474115-T-G.
Other names: short protein forms L1690F.
Identifiers: ClinVar variation 2080851 (VCV002080851.4), dbSNP rs2499912402, ClinGen allele CA385991448.
Genomic context (GRCh38, chr12:88,080,338, plus strand): 5'-AGCCTGAAGTTCAGATTTTAAACACTGTGACTCCTTTTGTGACTGGTCCAGAAGATACTT[T>G]AAATCCTCTACTTCCGCTTTTACTTTTTTCACTTCATCTTCATGGTTTTCTTGAAGCCTG-3'
Protein context (NP_079390.3, residues 1680-1700): VKKVKAEVED[Leu1690Phe]KYLLDQSQKE